The following is an entry in ClinVar:

ClinVar aggregate classification (germline): Uncertain significance. Review status: criteria provided, multiple submitters, no conflicts (2 of 4 stars). 3 submissions from 3 submitters: Uncertain significance (3). Last evaluated 2023-11-29.

Conditions:
Inborn genetic diseases. Identifiers: MedGen C0950123, MeSH D030342.
Hereditary spastic paraplegia 11. Also called: Nakamura Osame syndrome; Autosomal recessive hereditary spastic paraplegia, mental impairment, and thin corpus callosum; SPASTIC PARAPLEGIA, AUTOSOMAL RECESSIVE, COMPLICATED, WITH THIN CORPUS CALLOSUM; SPASTIC PARAPLEGIA, AUTOSOMAL RECESSIVE, WITH MENTAL IMPAIRMENT AND THIN CORPUS CALLOSUM; Spastic paraplegia, mental retardation and thin corpus callosum; Spastic Paraplegia 11. Identifiers: Orphanet 2822, MedGen C1858479, MONDO:0011445, OMIM 604360.

Allele frequency attached by ClinVar (database versions not stated): ExAC 0.00001; gnomAD exomes 0.00001; TOPMed 0.00002.
gnomAD v4.1: 12 of 1,614,104 alleles (0.00074%); highest among the groups gnomAD compares: Admixed American, 0.0067%; no homozygotes.

Submissions (3):

Ambry Genetics
Classification: Uncertain significance for Inborn genetic diseases. Last evaluated: 2023-11-29. Review status: criteria provided, single submitter. Criteria: Ambry Variant Classification Scheme 2023. Collection method: clinical testing. Allele origin: germline.

GeneDx
Classification: Uncertain significance. Last evaluated: 2023-06-26. Review status: criteria provided, single submitter. Criteria: GeneDx Variant Classification Process June 2021. Collection method: clinical testing. Allele origin: germline. Affected: yes.
Comment: Not observed at significant frequency in large population cohorts (gnomAD); In silico analysis supports that this missense variant has a deleterious effect on protein structure/function; Has not been previously published as pathogenic or benign to our knowledge

Labcorp Genetics (formerly Invitae), Labcorp
Classification: Uncertain significance for Hereditary spastic paraplegia 11. Last evaluated: 2021-09-08. Review status: criteria provided, single submitter. Criteria: Invitae Variant Classification Sherloc (09022015). Collection method: clinical testing. Allele origin: germline.
Comment: This sequence change replaces arginine with cysteine at codon 1196 of the SPG11 protein (p.Arg1196Cys). The arginine residue is moderately conserved and there is a large physicochemical difference between arginine and cysteine. This variant is present in population databases (rs767936997, ExAC 0.009%). This variant has not been reported in the literature in individuals affected with SPG11-related conditions. Algorithms developed to predict the effect of missense changes on protein structure and function are either unavailable or do not agree on the potential impact of this missense change (SIFT: "Deleterious"; PolyPhen-2: "Benign"; Align-GVGD: "Class C25"). In summary, the available evidence is currently insufficient to determine the role of this variant in disease. Therefore, it has been classified as a Variant of Uncertain Significance.

NM_025137.4(SPG11):c.3586C>T (p.Arg1196Cys)

Gene: SPG11 (SPG11 vesicle trafficking associated, spatacsin; minus strand). Cytogenetic location: 15q21.1.
Variant type: single nucleotide variant.
Coding change: c.3586C>T on transcript NM_025137.4 (MANE Select); coding-DNA position 3586, C replaced by T.
Protein change: p.Arg1196Cys; replaces arginine 1196 with cysteine.
Molecular consequence: missense variant.
Genome position (GRCh38, 1-based): chr15:44,600,567, G>A on the plus strand (C>T on the coding strand, the complement: SPG11 is on the minus strand). VCF-style: chr15-44600567-G-A. GRCh37 (hg19) VCF-style: chr15-44892765-G-A.
Other names: c.3586C>T (NM_025137.3); c.3586C>T, p.Arg1196Cys (NM_001160227.2); short protein forms R1196C.
Identifiers: ClinVar variation 1396714 (VCV001396714.5), dbSNP rs767936997, ClinGen allele CA7534897.